The following is an entry in ClinVar:

ClinVar aggregate classification (germline): Uncertain significance (1 of 4 stars; one submission).

Submission:

Labcorp Genetics (formerly Invitae), Labcorp
Classification: Uncertain significance. Last evaluated: 2025-01-29. Review status: criteria provided, single submitter. Criteria: Invitae Variant Classification Sherloc (09022015). Collection method: clinical testing. Allele origin: germline.
Comment: This sequence change replaces threonine, which is neutral and polar, with alanine, which is neutral and non-polar, at codon 795 of the KMT2A protein (p.Thr795Ala). This variant is not present in population databases (gnomAD no frequency). This variant has not been reported in the literature in individuals affected with KMT2A-related conditions. Invitae Evidence Modeling of protein sequence and biophysical properties (such as structural, functional, and spatial information, amino acid conservation, physicochemical variation, residue mobility, and thermodynamic stability) indicates that this missense variant is not expected to disrupt KMT2A protein function with a negative predictive value of 95%. In summary, the available evidence is currently insufficient to determine the role of this variant in disease. Therefore, it has been classified as a Variant of Uncertain Significance.

NM_001197104.2(KMT2A):c.2383A>G (p.Thr795Ala)

Gene: KMT2A (lysine methyltransferase 2A; plus strand). Cytogenetic location: 11q23.3.
Variant type: single nucleotide variant.
Coding change: c.2383A>G on transcript NM_001197104.2 (MANE Select); coding-DNA position 2383, A replaced by G.
Protein change: p.Thr795Ala; replaces threonine 795 with alanine.
Molecular consequence: missense variant.
Genome position (GRCh38, 1-based): chr11:118,473,542, A>G. VCF-style: chr11-118473542-A-G. GRCh37 (hg19) VCF-style: chr11-118344257-A-G.
Other names: c.2482A>G, p.Thr828Ala (NM_001412597.1); c.2383A>G, p.Thr795Ala (NM_005933.4); short protein forms T795A, T828A.
Identifiers: ClinVar variation 3620548 (VCV003620548.2).
Genomic context (GRCh38, chr11:118,473,542, plus strand): 5'-TCTGTCTCTTCCTCGTTAAGCATTTCTGTTAGTCCTCTTGCCACTAGTGCCTTAAACCCA[A>G]CTTTTACTTTTCCTTCTCATTCCCTGACTCAGTCTGGGGAATCTGCAGAGAAAAATCAGA-3'
Protein context (NP_001184033.1, residues 785-805): SPLATSALNP[Thr795Ala]FTFPSHSLTQ